The following is an entry in ClinVar:

ClinVar aggregate classification (germline): Uncertain significance. Review status: criteria provided, multiple submitters, no conflicts (2 of 4 stars). 2 submissions from 2 submitters: Uncertain significance (2). Last evaluated 2024-12-15.

Conditions:
Hereditary cancer-predisposing syndrome. Also called: Tumor predisposition; Hereditary neoplastic syndrome; Hereditary Cancer Syndrome; Neoplastic Syndromes, Hereditary. Identifiers: Orphanet 140162, MedGen C0027672, MeSH D009386, MONDO:0015356.

Submissions (2):

Labcorp Genetics (formerly Invitae), Labcorp
Classification: Uncertain significance. Last evaluated: 2024-12-15. Review status: criteria provided, single submitter. Criteria: Invitae Variant Classification Sherloc (09022015). Collection method: clinical testing. Allele origin: germline.
Comment: This sequence change replaces proline, which is neutral and non-polar, with alanine, which is neutral and non-polar, at codon 395 of the MSH3 protein (p.Pro395Ala). This variant is not present in population databases (gnomAD no frequency). This variant has not been reported in the literature in individuals affected with MSH3-related conditions. ClinVar contains an entry for this variant (Variation ID: 3222225). An algorithm developed to predict the effect of missense changes on protein structure and function (PolyPhen-2) suggests that this variant is likely to be disruptive. In summary, the available evidence is currently insufficient to determine the role of this variant in disease. Therefore, it has been classified as a Variant of Uncertain Significance.

Ambry Genetics
Classification: Uncertain significance for Hereditary cancer-predisposing syndrome. Last evaluated: 2023-12-31. Review status: criteria provided, single submitter. Criteria: Ambry Variant Classification Scheme 2023. Collection method: clinical testing. Allele origin: germline.
Comment: The p.P395A variant (also known as c.1183C>G), located in coding exon 8 of the MSH3 gene, results from a C to G substitution at nucleotide position 1183. The proline at codon 395 is replaced by alanine, an amino acid with highly similar properties. This amino acid position is conserved. In addition, this alteration is predicted to be deleterious by in silico analysis. Since supporting evidence is limited at this time, the clinical significance of this alteration remains unclear.

NM_002439.5(MSH3):c.1183C>G (p.Pro395Ala)

Gene: MSH3 (mutS homolog 3; plus strand). Cytogenetic location: 5q14.1.
Variant type: single nucleotide variant.
Coding change: c.1183C>G on transcript NM_002439.5 (MANE Select); coding-DNA position 1183, C replaced by G.
Protein change: p.Pro395Ala; replaces proline 395 with alanine.
Molecular consequence: missense variant.
Genome position (GRCh38, 1-based): chr5:80,678,936, C>G. VCF-style: chr5-80678936-C-G. GRCh37 (hg19) VCF-style: chr5-79974755-C-G.
Other names: short protein forms P395A.
Identifiers: ClinVar variation 3222225 (VCV003222225.3), dbSNP rs1475595202, ClinGen allele CA360268832.